The following is an entry in ClinVar:

ClinVar aggregate classification (germline): Uncertain significance (1 of 4 stars; one submission).

Submission:

Labcorp Genetics (formerly Invitae), Labcorp
Classification: Uncertain significance. Last evaluated: 2025-09-15. Review status: criteria provided, single submitter. Criteria: Invitae Variant Classification Sherloc (09022015). Collection method: clinical testing. Allele origin: germline.
Comment: This sequence change falls in intron 2 of the TLR7 gene. It does not directly change the encoded amino acid sequence of the TLR7 protein. It affects a nucleotide within the consensus splice site. This variant is not present in population databases (gnomAD no frequency). This variant has not been reported in the literature in individuals affected with TLR7-related conditions. Variants that disrupt the consensus splice site are a relatively common cause of aberrant splicing (PMID: 17576681, 9536098). Algorithms developed to predict the effect of sequence changes on RNA splicing suggest that this variant is not likely to affect RNA splicing. In summary, the available evidence is currently insufficient to determine the role of this variant in disease. Therefore, it has been classified as a Variant of Uncertain Significance.

Literature cited by the submitters: PubMed 17576681; PubMed 9536098.

NM_016562.4(TLR7):c.4-3C>A

Gene: TLR7 (toll like receptor 7; plus strand). Cytogenetic location: Xp22.2.
Variant type: single nucleotide variant.
Coding change: c.4-3C>A on transcript NM_016562.4 (MANE Select); 3 bases into the intron before coding-DNA position 4, C replaced by A.
Molecular consequence: intron variant.
Genome position (GRCh38, 1-based): chrX:12,885,509, C>A. VCF-style: chrX-12885509-C-A. GRCh37 (hg19) VCF-style: chrX-12903628-C-A.
Identifiers: ClinVar variation 4748404 (VCV004748404.1).